The following is an entry in ClinVar:

ClinVar aggregate classification (germline): Uncertain significance (1 of 4 stars; one submission).

gnomAD v4.1: 31 of 1,551,762 alleles (0.002%); highest among the groups gnomAD compares: African/African-American, 0.031%; no homozygotes.

Submission:

GeneDx
Classification: Uncertain significance. Last evaluated: 2025-04-08. Review status: criteria provided, single submitter. Criteria: GeneDx Variant Classification Process June 2021. Collection method: clinical testing. Allele origin: germline. Affected: yes.
Comment: In silico analysis supports that this missense variant has a deleterious effect on protein structure/function; Has not been previously published as pathogenic or benign to our knowledge

NM_001384474.1(LOXHD1):c.6598C>T (p.Arg2200Trp)

Gene: LOXHD1 (lipoxygenase homology PLAT domains 1; minus strand). Cytogenetic location: 18q21.1.
Variant type: single nucleotide variant.
Coding change: c.6598C>T on transcript NM_001384474.1 (MANE Select); coding-DNA position 6598, C replaced by T.
Protein change: p.Arg2200Trp; replaces arginine 2200 with tryptophan.
Molecular consequence: missense variant.
Genome position (GRCh38, 1-based): chr18:46,477,696, G>A on the plus strand (C>T on the coding strand, the complement: LOXHD1 is on the minus strand). VCF-style: chr18-46477696-G-A. GRCh37 (hg19) VCF-style: chr18-44057659-G-A.
Other names: c.3265C>T, p.Arg1089Trp (NM_001145472.3); c.1315C>T, p.Arg439Trp (NM_001145473.3, NM_001173129.2); c.2977C>T, p.Arg993Trp (NM_001308013.2); c.6412C>T, p.Arg2138Trp (NM_144612.7); short protein forms R1089W, R2138W, R2200W, R439W, R993W.
Identifiers: ClinVar variation 4281810 (VCV004281810.1).
Genomic context (GRCh38, chr18:46,477,696, plus strand): 5'-GCACCTTGCGCAGCTCACCCAGCTCCAGCGTCTCCAGGAAGAAGCGGTCTGTGCTGCCCC[G>A]CTCGAAGAGGTTGCGCATTTTCTGCTTCAGCTCCCGCTTGCCTGTGTCTCCGTTGGCCCC-3'
Protein context (NP_001371403.1, residues 2190-2210): LKQKMRNLFE[Arg2200Trp]GSTDRFFLET